The following is an entry in ClinVar:

NM_177977.3(HAP1):c.1224G>T (p.Leu408Phe)

Gene: HAP1 (huntingtin associated protein 1; minus strand). Cytogenetic location: 17q21.2.
Variant type: single nucleotide variant.
Coding change: c.1224G>T on transcript NM_177977.3 (MANE Select); coding-DNA position 1224, G replaced by T.
Protein change: p.Leu408Phe; replaces leucine 408 with phenylalanine.
Molecular consequence: missense variant. On other transcripts: intron variant (5).
Genome position (GRCh38, 1-based): chr17:41,727,813, C>A on the plus strand (G>T on the coding strand, the complement: HAP1 is on the minus strand). VCF-style: chr17-41727813-C-A. GRCh37 (hg19) VCF-style: chr17-39884065-C-A.
Other names: c.1320G>T, p.Leu440Phe (NM_001367459.1); c.1200+388G>T (NM_001367462.1, NM_001367461.1, NM_001079871.1); c.1201-381G>T (NM_001367460.1); c.1224+388G>T (NM_001079870.1); short protein forms L408F, L440F.
Identifiers: ClinVar variation 3059732 (VCV003059732.2), dbSNP rs35612698, ClinGen allele CA8564493.

ClinVar aggregate classification (germline): Benign (0 of 4 stars; one submission).

Conditions:
HAP1-related disorder. Also called: HAP1-related condition.

Allele frequency attached by ClinVar (database versions not stated): 1000 Genomes Project 0.23642; 1000 Genomes Project 30x 0.23751; TOPMed 0.30589; ESP Exome Variant Server 0.33215.
gnomAD v4.1: 569,155 of 1,603,770 alleles (35%); highest among the groups gnomAD compares: Non-Finnish European, 39%; 106,830 homozygotes.

Submission:

PreventionGenetics, part of Exact Sciences
Classification: Benign for HAP1-related condition. Last evaluated: 2019-10-16. Review status: no assertion criteria provided. Collection method: clinical testing. Allele origin: germline.
Comment: This variant is classified as benign based on ACMG/AMP sequence variant interpretation guidelines (Richards et al. 2015 PMID: 25741868, with internal and published modifications).